The following is an entry in ClinVar:

NM_000545.8(HNF1A):c.164_168del (p.Gly55fs)

Gene: HNF1A (HNF1 homeobox A; plus strand). Cytogenetic location: 12q24.31.
Variant type: Deletion.
Coding change: c.164_168del on transcript NM_000545.8 (MANE Select); coding-DNA positions 164 to 168, 5 bases deleted (GGGAG; older notation c.164_168delGGGAG).
Protein change: p.Gly55fs; shifts the reading frame from glycine 55.
Molecular consequence: frameshift variant.
Genome position (GRCh38, 1-based): chr12:120,978,932-120,978,936, GGGAG deleted; deleting any 5 consecutive bases within chr12:120,978,929-120,978,936 gives the same sequence; the c. name uses the placement nearest the transcript's 3' end. VCF-style (leftmost placement, unchanged base first): chr12-120978928-CGAGGG-C. GRCh37 (hg19) VCF-style: chr12-121416731-CGAGGG-C.
Other names: NM_001306179.2:c.164_168del; c.164_168del, p.Gly55fs (NM_001306179.2); short protein forms G55fs.
Identifiers: ClinVar variation 1676685 (VCV001676685.3), dbSNP rs2135819834, ClinGen allele CA2573051034.

ClinVar aggregate classification (germline): Pathogenic (3 of 4 stars; one submission).

Conditions:
Monogenic diabetes. Identifiers: Orphanet 183625, MedGen C3888631, MONDO:0015967.

Submission:

ClinGen Monogenic Diabetes Variant Curation Expert Panel
Classification: Pathogenic for Monogenic diabetes. Last evaluated: 2022-04-02. Review status: reviewed by expert panel. Criteria: ClinGen Diabetes ACMG Specifications v1 1. Collection method: curation. Allele origin: germline. Inheritance: Autosomal dominant inheritance.
Comment: The c.164_168del variant in the HNF1 homeobox A gene, HNF1A, causes a frameshift in the protein at codon 55 (NM_000545.8), adding 3 novel amino acids before encountering a stop codon (p.(Gly55AlafsTer3)). This variant, located in biologically-relevant exon 1 of 10, is predicted to lead to nonsense mediated decay in a gene in which loss-of-function is an established disease mechanism (PVS1; 23348805) and is absent from gnomAD v2.1.1 (PM2_Supporting). Additionally, this variant segregated with diabetes, with 12 informative meioses in two families with MODY (PP1_Strong; PMID: 14598263, internal lab contributor). This variant was identified in an individual with a clinical history highly specific for HNF1A-MODY (MODY probability calculator result >50%, HNF4A not tested but hepatic adenomatosis present) (PP4; internal lab contributor). This variant was identified in two unrelated individuals with non-autoimmune and non-absolute/near-absolute insulin-deficient diabetes; however, PS4_Moderate cannot be applied because this number is below the ClinGen MDEP threshold (PMID: 14598263, internal lab contributor). In summary, c.164_169del meets the criteria to be classified as pathogenic for monogenic diabetes. ACMG/AMP criteria applied, as specified by the ClinGen MDEP (specification version 1.1, approved 9/30/21): PVS1, PM2_Supporting, PP1_Strong, PP4.